The following is an entry in ClinVar:

ClinVar aggregate classification (germline): Pathogenic (1 of 4 stars; one submission).

Submission:

Quest Diagnostics Nichols Institute San Juan Capistrano
Classification: Pathogenic. Last evaluated: 2022-04-25. Review status: criteria provided, single submitter. Criteria: ACMG/ClinGen CNV Guidelines, 2019. Collection method: clinical testing. Allele origin: unknown.
Comment: The deletion Xp21.1 interval involves approximately exons 49-53 of the DMD (dystrophin) gene (OMIM 300377). X-linked recessive dystrophinopathies including Becker Muscular Dystrophy (BMD) (OMIM 300376), Duchenne Muscular Dystrophy (DMD) (OMIM 310200), and DMD-Associated Dilated Cardiomyopathy (OMIM 302045) are X-linked recessive disorders caused by entire or intragenic DMD deletions and duplications as well as sequence variants, primarily affecting the isoform expressed in the skeletal muscles. Age of onset and severity of progressive muscular weakness depend on the mutation characteristics (i.e., out- or in-frame in the case of exonic deletions or duplications). Manifesting carriers may demonstrate variable degrees of symptoms (mild, moderate, or severe muscular dystrophy) depending, in part, on patterns of X-chromosome inactivation. Carrier females might be at risk for dilated cardiomyopathy (DCM) (Darras BT et al., GeneReviews [Internet].

GRCh37/hg19 Xp21.1(chrX:31684916-31875673)x0

Gene: DMD (dystrophin; minus strand). Cytogenetic location: Xp21.1.
Variant type: copy number loss.
Change: copy number 0 of chrX:31,684,916-31,875,673 (190.8 kb, GRCh37 coordinates, 1-based), cytogenetic band Xp21.1.
Identifiers: ClinVar variation 1808647 (VCV001808647.1).